The following is an entry in ClinVar:

ClinVar aggregate classification (germline): Likely benign (1 of 4 stars; one submission).

gnomAD v4.1: 1,413 of 397,840 alleles (0.36%); highest among the groups gnomAD compares: Non-Finnish European, 0.47%; 5 homozygotes.

Submission:

CeGaT Center for Human Genetics Tuebingen
Classification: Likely benign. Last evaluated: 2025-04-01. Review status: criteria provided, single submitter. Criteria: CeGaT Center For Human Genetics Tuebingen Variant Classification Criteria Version 2. Collection method: clinical testing. Allele origin: germline. Affected: yes. Observed: 2 variant alleles.
Comment: MAPK10: BS2

NC_000004.12:g.85992138T>G

Genes: ARHGAP24 (Rho GTPase activating protein 24; plus strand), MAPK10 (mitogen-activated protein kinase 10; minus strand). Cytogenetic location: 4q21.23.
Variant type: single nucleotide variant.
Molecular consequence: intron variant (on NM_001025616.3).
Genome position: GRCh38 VCF-style: chr4-85992138-T-G. GRCh37 (hg19) VCF-style: chr4-86913291-T-G.
Other names: c.929-2445T>G (NM_001025616.3); c.644-2445T>G (NM_001042669.2); c.350-2445T>G (NM_001346093.2); c.674-2445T>G (NM_001287805.2); c.650-2445T>G (NM_031305.3).
Identifiers: ClinVar variation 3778138 (VCV003778138.7).
Genomic context (GRCh38, chr4:85,992,138, plus strand): 5'-AGAATCTGCTTGGACTCTTCAGAATGGGCTGGTGATTATAACCAGTCTGACCTCATTATC[T>G]GGGCTTCATGTTCCTCATTGGCATTCTAAGAAGAAAATGACAGGGAATCAAAAGGAAAAA-3'